The following is an entry in ClinVar:

NM_001372.4(DNAH9):c.6669G>A (p.Trp2223Ter)

Gene: DNAH9 (dynein axonemal heavy chain 9; plus strand). Cytogenetic location: 17p12.
Variant type: single nucleotide variant.
Coding change: c.6669G>A on transcript NM_001372.4 (MANE Select); coding-DNA position 6669, G replaced by A.
Protein change: p.Trp2223Ter; replaces tryptophan 2223 with a stop codon.
Molecular consequence: nonsense.
Genome position (GRCh38, 1-based): chr17:11,752,891, G>A. VCF-style: chr17-11752891-G-A. GRCh37 (hg19) VCF-style: chr17-11656208-G-A.
Other names: short protein forms W2223*.
Identifiers: ClinVar variation 1333258 (VCV001333258.1), dbSNP rs979425072, ClinGen allele CA398194428.

ClinVar aggregate classification (germline): Likely pathogenic (1 of 4 stars; one submission).

Conditions:
Ciliary dyskinesia, primary, 40. Also called: CILIARY DYSKINESIA, PRIMARY, 40, WITH OR WITHOUT SITUS INVERSUS. Identifiers: MedGen C4749028, MONDO:0032664, OMIM 618300.

Submission:

3billion
Classification: Likely pathogenic for Ciliary dyskinesia, primary, 40. Last evaluated: 2022-01-03. Review status: criteria provided, single submitter. Criteria: ACMG Guidelines, 2015. Collection method: clinical testing. Allele origin: germline. Affected: yes. Observed: 1 heterozygote.
Comment: Stop-gained (nonsense): predicted to result in a loss or disruption of normal protein function through nonsense-mediated decay (NMD) or protein truncation. Multiple pathogenic variants are reported downstream of the variant (PVS1_VS). It is not observed in the gnomAD v2.1.1 dataset (PM2_M). Therefore, this variant is classified as likely pathogenic according to the recommendation of ACMG/AMP guideline.